The following is an entry in ClinVar:

NM_000152.5(GAA):c.1143C>T (p.Thr381=)

Gene: GAA (alpha glucosidase; plus strand). Cytogenetic location: 17q25.3.
Variant type: single nucleotide variant.
Coding change: c.1143C>T on transcript NM_000152.5 (MANE Select); coding-DNA position 1143, C replaced by T.
Protein change: p.Thr381=; no amino-acid change (threonine 381 retained).
Molecular consequence: synonymous variant.
Genome position (GRCh38, 1-based): chr17:80,108,556, C>T. VCF-style: chr17-80108556-C-T. GRCh37 (hg19) VCF-style: chr17-78082355-C-T.
Other names: c.1143C>T (LRG_673t1, NM_000152.4); c.1143C>T, p.Thr381= (NM_001079803.3, NM_001079804.3).
Identifiers: ClinVar variation 284480 (VCV000284480.45), dbSNP rs111832449, ClinGen allele CA8815182.
Genomic context (GRCh38, chr17:80,108,556, plus strand): 5'-GTTCATGCCGCCATACTGGGGCCTGGGCTTCCACCTGTGCCGCTGGGGCTACTCCTCCAC[C>T]GCTATCACCCGCCAGGTGGTGGAGAACATGACCAGGGCCCACTTCCCCCTGGTGAGTTGG-3'
Protein context (NP_000143.2, residues 371-391): FHLCRWGYSS[Thr381=]AITRQVVENM

ClinVar aggregate classification (germline): Conflicting classifications of pathogenicity. Review status: criteria provided, conflicting classifications (1 of 4 stars). 7 submissions from 7 submitters: Uncertain significance (1); Likely benign (6). Last evaluated 2025-10-13.

Conditions:
GAA-related disorder. Also called: GAA-related condition.
Cardiovascular phenotype. Identifiers: MedGen CN230736.
Glycogen storage disease, type II (IOPD). Also called: Acid maltase deficiency disease; Aglucosidase alfa; Deficiency of alpha-glucosidase; Deficiency of lysosomal alpha-glucosidase; POMPE DISEASE, INFANTILE-ONSET; GLYCOGEN STORAGE DISEASE II, INFANTILE-ONSET. Identifiers: Orphanet 365, MedGen C0017921, MONDO:0009290, OMIM 232300.

Allele frequency attached by ClinVar (database versions not stated): ExAC 0.00002; gnomAD exomes 0.00003 and 0.00004; gnomAD 0.00006; TOPMed 0.00010.
gnomAD v4.1: 48 of 1,612,654 alleles (0.003%); highest among the groups gnomAD compares: Admixed American, 0.015%; no homozygotes.

Submissions (7):

Labcorp Genetics (formerly Invitae), Labcorp
Classification: Likely benign for Glycogen storage disease, type II. Last evaluated: 2025-10-13. Review status: criteria provided, single submitter. Criteria: Invitae Variant Classification Sherloc (09022015). Collection method: clinical testing. Allele origin: germline.

CeGaT Center for Human Genetics Tuebingen
Classification: Likely benign. Last evaluated: 2025-07-01. Review status: criteria provided, single submitter. Criteria: CeGaT Center For Human Genetics Tuebingen Variant Classification Criteria Version 2. Collection method: clinical testing. Allele origin: germline. Affected: yes. Observed: 2 variant alleles.
Comment: GAA: BP4, BP7

PreventionGenetics, part of Exact Sciences
Classification: Likely benign for GAA-related condition. Last evaluated: 2025-01-31. Review status: criteria provided, single submitter. Criteria: ACMG Guidelines, 2015. Collection method: clinical testing. Allele origin: germline.
Comment: This variant is classified as likely benign based on ACMG/AMP sequence variant interpretation guidelines (Richards et al. 2015 PMID: 25741868, with internal and published modifications).

Genome-Nilou Lab
Classification: Likely benign for Glycogen storage disease, type II. Last evaluated: 2021-07-22. Review status: criteria provided, single submitter. Criteria: ACMG Guidelines, 2015. Collection method: clinical testing. Allele origin: germline. Affected: no.

Broad Center for Mendelian Genomics, Broad Institute of MIT and Harvard
Classification: Likely benign for Glycogen storage disease, type II. Last evaluated: 2020-01-22. Review status: criteria provided, single submitter. Criteria: ACMG Guidelines, 2015. Collection method: curation. Allele origin: germline. Inheritance: Autosomal recessive inheritance.
Comment: The c.1143C>T (p.Thr381=) variant in GAA has not been previously reported in individuals with Glycogen Storage Disease II but has been reported as a VUS by EGL Genetic Diagnostics and a likely benign variant by Invitae in ClinVar (Variation ID: 284480). This variant has been identified in 0.009% (3/35246) of Latino chromosomes and 0.004% (5/127090) of European (non-Finnish) chromosomes by the Genome Aggregation Database (gnomAD; dbSNP rs111832449). Although this variant has been seen in the general population, its frequency is low enough to be consistent with a recessive carrier frequency. Computational prediction tools and conservation analyses suggest that this variant may not impact the protein, though this information is not predictive enough to rule out pathogenicity. However, novel synonymous variants supported by computational evidence without raised suspicion for an impact are likely benign (Richards 2015). In summary, although additional studies are required to fully establish its clinical significance, this variant is likely benign. ACMG/AMP Criteria applied: PM2, BP4, BP7 (Richards 2015).

Ambry Genetics
Classification: Likely benign for Cardiovascular phenotype. Last evaluated: 2019-10-28. Review status: criteria provided, single submitter. Criteria: Ambry Variant Classification Scheme 2023. Collection method: clinical testing. Allele origin: germline.

Eurofins Ntd Llc (ga)
Classification: Uncertain significance. Last evaluated: 2017-05-05. Review status: criteria provided, single submitter. Criteria: EGL Classification Definitions 2015. Collection method: clinical testing. Allele origin: germline. Observed: 3 variant alleles, 3 heterozygotes.